The following is an entry in ClinVar:

NM_000238.4(KCNH2):c.211G>C (p.Gly71Arg)

Gene: KCNH2 (potassium voltage-gated channel subfamily H member 2; minus strand). Cytogenetic location: 7q36.1.
Variant type: single nucleotide variant.
Coding change: c.211G>C on transcript NM_000238.4 (MANE Select); coding-DNA position 211, G replaced by C.
Protein change: p.Gly71Arg; replaces glycine 71 with arginine.
Molecular consequence: missense variant.
Genome position (GRCh38, 1-based): chr7:150,974,807, C>G on the plus strand (G>C on the coding strand, the complement: KCNH2 is on the minus strand). VCF-style: chr7-150974807-C-G. GRCh37 (hg19) VCF-style: chr7-150671895-C-G.
Other names: p.G71R:GGG>CGG; c.211G>C (LRG_288t1); c.34G>C, p.Gly12Arg (NM_001406755.1); c.211G>C, p.Gly71Arg (NM_172056.3); short protein forms G71R, G12R.
Identifiers: ClinVar variation 67366 (VCV000067366.5), dbSNP rs199473420, ClinGen allele CA006261.

ClinVar aggregate classification (germline): Pathogenic. Review status: criteria provided, multiple submitters, no conflicts (2 of 4 stars). 3 submissions from 3 submitters: Pathogenic (2). 1 of the submissions does not count toward it. Last evaluated 2019-02-11.

Conditions:
Familial long QT syndrome (RWS). Also called: Congenital long QT syndrome; Romano-Ward syndrome; VENTRICULAR FIBRILLATION WITH PROLONGED QT INTERVAL. Identifiers: Orphanet 768, MedGen C1141890, MONDO:0019171.
Long QT syndrome (LQTS). Identifiers: MedGen C0023976, MeSH D008133, MONDO:0002442. Disease mechanism: loss of function. Inheritance: Various modes of inheritance.

Submissions (3):

Women's Health and Genetics/Laboratory Corporation of America, LabCorp
Classification: Pathogenic for Long QT syndrome. Last evaluated: 2019-02-11. Review status: criteria provided, single submitter. Criteria: LabCorp Variant Classification Summary - May 2015. Collection method: clinical testing. Allele origin: germline.
Comment: Variant summary: KCNH2 c.211G>C (p.Gly71Arg) results in a non-conservative amino acid change located in the PAS domain of the encoded protein sequence. Five of five in-silico tools predict a damaging effect of the variant on protein function. The variant was absent in 225120 control chromosomes (gnomAD). c.211G>C causes the same amino acid change (i.e. p.Gly71Arg) as variant c.211G>A. p.Gly71Arg has been reported in the literature (either linked to c.211G>C or c.211G>A or not specified) in individuals affected with Long QT Syndrome (Itoh_2016, Lieve_2013, Mullally_2013, Raju_2013, Itoh_2010, Napolitano_2005). These data indicate that the variant is likely to be associated with disease. Experimental evidence evaluating an impact on protein function demonstrated the variant to result in deficient protein trafficking to the cell membrane, which is suggested to be the dominant mechanism associated with type 2 Long QT syndrome. No clinical diagnostic laboratories have submitted clinical-significance assessments for this variant to ClinVar after 2014. Based on the evidence outlined above, the variant was classified as pathogenic.

GeneDx
Classification: Pathogenic. Last evaluated: 2012-12-05. Review status: criteria provided, single submitter. Criteria: GeneDx Variant Classification (06012015). Collection method: clinical testing. Allele origin: germline. Affected: yes.
Comment: Gly71Arg has been reported previously in two unrelated patients referred for LQTS testing and itwas absent in 800 reference alleles (Napolitano C et al., 2005; Itoh H et al., 2010). Additionally, the NHLBI ESP Exome Variant Server reports Gly71Arg was not observed in approximately 6,500 samples from individuals of European and African American backgrounds, indicating it is not a common benign variant in these populations. Gly71Arg leads to a non-conservative replacement of a non-polar small Glycine residue with a large polar Arginine residue in the N-terminus of the protein. In addition, other missense mutations affecting neighboring codons (Leu69Pro, His70Arg, His70Asn, Pro72Gln, Pro72Leu) have been reported in association with LQTS, supporting the functional importance of this region of the protein. The variant is found in LQT panel(s).

Cardiovascular Biomedical Research Unit, Royal Brompton & Harefield NHS Foundation Trust
No classification provided. Condition: Familial long QT syndrome. Review status: no classification provided. Collection method: literature only. Allele origin: germline. Not counted in ClinVar's aggregate classification.
Comment: This variant has been reported as associated with Long QT syndrome in the following publications (PMID:16414944). This is a literature report, and does not necessarily reflect the clinical interpretation of the Imperial College / Royal Brompton Cardiovascular Genetics laboratory.

Literature cited by the submitters: PubMed 16414944 (cited by Women's Health and Genetics/Laboratory Corporation of America, LabCorp and Cardiovascular Biomedical Research Unit, Royal Brompton & Harefield NHS Foundation Trust); PubMed 23631430 (cited by Women's Health and Genetics/Laboratory Corporation of America, LabCorp); PubMed 25417810 (cited by Women's Health and Genetics/Laboratory Corporation of America, LabCorp); PubMed 23174487 (cited by Women's Health and Genetics/Laboratory Corporation of America, LabCorp); PubMed 26669661 (cited by Women's Health and Genetics/Laboratory Corporation of America, LabCorp); PubMed 22581653 (cited by Cardiovascular Biomedical Research Unit, Royal Brompton & Harefield NHS Foundation Trust).